The following is an entry in ClinVar:

ClinVar aggregate classification (germline): Uncertain significance. Review status: criteria provided, multiple submitters, no conflicts (2 of 4 stars). 3 submissions from 3 submitters: Uncertain significance (3). Last evaluated 2025-06-27.

Conditions:
Pitt-Hopkins-like syndrome 2 (PTHSL2). Identifiers: Orphanet 221150, Orphanet 600663, MedGen C3280479, MONDO:0013690, OMIM 614325.

Allele frequency attached by ClinVar (database versions not stated): TOPMed 0.00002.
gnomAD v4.1: 27 of 1,613,780 alleles (0.0017%); highest among the groups gnomAD compares: Non-Finnish European, 0.0022%; no homozygotes.

Submissions (3):

Mayo Clinic Laboratories, Mayo Clinic
Classification: Uncertain significance. Last evaluated: 2025-06-27. Review status: criteria provided, single submitter. Criteria: ACMG Guidelines, 2015. Collection method: clinical testing. Allele origin: germline. Observed: 1 variant allele.
Comment: PM2_supporting

Labcorp Genetics (formerly Invitae), Labcorp
Classification: Uncertain significance for Pitt-Hopkins-like syndrome 2. Last evaluated: 2024-05-15. Review status: criteria provided, single submitter. Criteria: Invitae Variant Classification Sherloc (09022015). Collection method: clinical testing. Allele origin: germline.
Comment: This sequence change replaces aspartic acid, which is acidic and polar, with asparagine, which is neutral and polar, at codon 690 of the NRXN1 protein (p.Asp690Asn). This variant is present in population databases (no rsID available, gnomAD 0.002%). This variant has not been reported in the literature in individuals affected with NRXN1-related conditions. ClinVar contains an entry for this variant (Variation ID: 944195). An algorithm developed to predict the effect of missense changes on protein structure and function (PolyPhen-2) suggests that this variant is likely to be disruptive. In summary, the available evidence is currently insufficient to determine the role of this variant in disease. Therefore, it has been classified as a Variant of Uncertain Significance.

GeneDx
Classification: Uncertain significance. Last evaluated: 2020-11-02. Review status: criteria provided, single submitter. Criteria: GeneDx Variant Classification Process June 2021. Collection method: clinical testing. Allele origin: germline. Affected: yes.
Comment: Not observed at a significant frequency in large population cohorts (Lek et al., 2016); In silico analysis supports that this missense variant has a deleterious effect on protein structure/function; Missense variant in a gene in which most reported pathogenic variants are truncating/loss-of-function; Has not been previously published as pathogenic or benign to our knowledge

NM_001330078.2(NRXN1):c.1948G>A (p.Asp650Asn)

Gene: NRXN1 (neurexin 1; minus strand). Cytogenetic location: 2p16.3.
Variant type: single nucleotide variant.
Coding change: c.1948G>A on transcript NM_001330078.2 (MANE Select); coding-DNA position 1948, G replaced by A.
Protein change: p.Asp650Asn; replaces aspartic acid 650 with asparagine.
Molecular consequence: missense variant.
Genome position (GRCh38, 1-based): chr2:50,538,448, C>T on the plus strand (G>A on the coding strand, the complement: NRXN1 is on the minus strand). VCF-style: chr2-50538448-C-T. GRCh37 (hg19) VCF-style: chr2-50765586-C-T.
Other names: p.Asp690Asn; c.2068G>A, p.Asp690Asn (NM_001135659.3); c.1924G>A, p.Asp642Asn (NM_001330077.2, NM_001330082.2, NM_001330095.2); c.1909G>A, p.Asp637Asn (NM_001330083.2, NM_001330084.2); c.1948G>A, p.Asp650Asn (NM_001330085.2, NM_001330086.2, NM_004801.6); c.1864G>A, p.Asp622Asn (NM_001330087.2, NM_001330096.2); c.1894G>A, p.Asp632Asn (NM_001330088.2); c.1945G>A, p.Asp649Asn (NM_001330093.2); and 2 more; short protein forms D637N, D649N, D690N, D646N, D650N, D632N, D642N, D622N.
Identifiers: ClinVar variation 944195 (VCV000944195.12), dbSNP rs202137841, ClinGen allele CA346770883.